The following is an entry in ClinVar:

NM_002474.3(MYH11):c.1896C>T (p.Ala632=)

Gene: MYH11 (myosin heavy chain 11; minus strand). Cytogenetic location: 16p13.11.
Variant type: single nucleotide variant.
Coding change: c.1896C>T on transcript NM_002474.3 (MANE Select); coding-DNA position 1896, C replaced by T.
Protein change: p.Ala632=; no amino-acid change (alanine 632 retained).
Molecular consequence: synonymous variant.
Genome position (GRCh38, 1-based): chr16:15,750,300, G>A on the plus strand (C>T on the coding strand, the complement: MYH11 is on the minus strand). VCF-style: chr16-15750300-G-A. GRCh37 (hg19) VCF-style: chr16-15844157-G-A.
Other names: c.1917C>T, p.Ala639= (NM_001040113.2, NM_001040114.2); c.1896C>T, p.Ala632= (NM_022844.3).
Identifiers: ClinVar variation 2773854 (VCV002773854.4), dbSNP rs542434174, ClinGen allele CA7922472.

ClinVar aggregate classification (germline): Likely benign. Review status: criteria provided, multiple submitters, no conflicts (2 of 4 stars). 3 submissions from 3 submitters: Likely benign (3). Last evaluated 2025-05-09.

Conditions:
Familial thoracic aortic aneurysm and aortic dissection (TAAD). Also called: Thoracic aortic aneurysms and dissections. Identifiers: Orphanet 91387, MedGen C4707243, MONDO:0019625.
Aortic aneurysm, familial thoracic 4 (AAT4). Also called: AORTIC ANEURYSM/AORTIC DISSECTION AND PATENT DUCTUS ARTERIOSUS. Identifiers: MedGen C1851504, MONDO:0007568, OMIM 132900.

Allele frequency attached by ClinVar (database versions not stated): gnomAD exomes below 0.00001; ExAC 0.00001; gnomAD 0.00001; 1000 Genomes Project 30x 0.00016; 1000 Genomes Project 0.00020.
gnomAD v4.1: 3 of 1,612,564 alleles (0.00019%); highest among the groups gnomAD compares: East Asian, 0.0022%; no homozygotes.

Submissions (3):

Labcorp Genetics (formerly Invitae), Labcorp
Classification: Likely benign for Aortic aneurysm, familial thoracic 4. Last evaluated: 2025-05-09. Review status: criteria provided, single submitter. Criteria: Invitae Variant Classification Sherloc (09022015). Collection method: clinical testing. Allele origin: germline.

All of Us Research Program, National Institutes of Health
Classification: Likely benign for Familial thoracic aortic aneurysm and aortic dissection. Last evaluated: 2023-12-01. Review status: criteria provided, single submitter. Criteria: ACMG Guidelines, 2015. Collection method: clinical testing. Allele origin: germline. Inheritance: Autosomal dominant inheritance. Observed: 2 variant alleles, 2 heterozygotes.
Comment: This study involves interpretation of variants in research participants for the purpose of population health screening. Participant phenotype was not available at the time of variant classification. Additional details can be found in publication PMID: 35346344, PMCID: PMC8962531

Color Diagnostics, LLC DBA Color Health
Classification: Likely benign for Familial thoracic aortic aneurysm and aortic dissection. Last evaluated: 2022-11-06. Review status: criteria provided, single submitter. Criteria: ACMG Guidelines, 2015. Collection method: clinical testing. Allele origin: germline.